The following is an entry in ClinVar:

NM_000350.3(ABCA4):c.4919G>A (p.Arg1640Gln)

Genes: ABCA4 (ATP binding cassette subfamily A member 4; minus strand), LOC126805793 (CDK7 strongly-dependent group 2 enhancer GRCh37_chr1:94486302-94487501; plus strand). Cytogenetic location: 1p22.1.
Variant type: single nucleotide variant.
Coding change: c.4919G>A on transcript NM_000350.3 (MANE Select); coding-DNA position 4919, G replaced by A.
Protein change: p.Arg1640Gln; replaces arginine 1640 with glutamine.
Molecular consequence: missense variant.
Genome position (GRCh38, 1-based): chr1:94,021,339, C>T on the plus strand (G>A on the coding strand, the complement: ABCA4 is on the minus strand). VCF-style: chr1-94021339-C-T. GRCh37 (hg19) VCF-style: chr1-94486895-C-T.
Other names: c.4697G>A, p.Arg1566Gln (NM_001425324.1); short protein forms R1640Q, R1566Q.
Identifiers: ClinVar variation 99331 (VCV000099331.70), dbSNP rs61751403, ClinGen allele CA227254.

ClinVar aggregate classification (germline): Pathogenic/Likely pathogenic. Review status: criteria provided, multiple submitters, no conflicts (2 of 4 stars). 21 submissions from 20 submitters: Pathogenic (14); Likely pathogenic (2). 5 of the submissions do not count toward it. Last evaluated 2026-08-04.

Conditions:
ABCA4-related disorder. Also called: ABCA4-related disorders; ABCA4-related condition. Identifiers: MedGen CN239167.
Retinal dystrophy. Also called: Inherited retinal dystrophy. Identifiers: Orphanet 71862, MedGen C0854723, MeSH D058499, MONDO:0019118, HP:0000556.
Severe early-childhood-onset retinal dystrophy (STGD1). Also called: MACULAR DYSTROPHY WITH FLECKS, TYPE 1; STGD; Stargardt macular dystrophy; Juvenile onset macular degeneration; Stargardt disease 1. Identifiers: Orphanet 364055, Orphanet 827, MedGen C1855465, MeSH D000080362, MONDO:0009549, OMIM 248200.
Retinitis pigmentosa 19 (RP19). Also called: ABCA4-Related Retinitis Pigmentosa. Identifiers: Orphanet 791, MedGen C1866422, MONDO:0011137, OMIM 601718.
Cone-rod dystrophy 3 (CORD3). Identifiers: Orphanet 1872, MedGen C1858806, MONDO:0011395, OMIM 604116.
Age related macular degeneration 2. Also called: MACULAR DEGENERATION, SENILE; MACULOPATHY, AGE-RELATED, 2; MACULOPATHY, AGE-RELATED. Identifiers: MedGen C3495438, MONDO:0007932, OMIM 153800.
Stargardt disease (FFM). Also called: Fundus flavimaculatus; Stargardt's disease. Identifiers: Orphanet 827, MedGen C0271093, MONDO:0019353.

Allele frequency attached by ClinVar (database versions not stated): TOPMed 0.00002; gnomAD 0.00001 and 0.00002; gnomAD exomes 0.00002 and 0.00003; ExAC 0.00006.
gnomAD v4.1: 29 of 1,614,020 alleles (0.0018%); highest among the groups gnomAD compares: Admixed American, 0.0067%; no homozygotes.

Submissions 1 to 15 of 21:

PreventionGenetics, part of Exact Sciences
Classification: Pathogenic for ABCA4-related condition. Last evaluated: 2026-08-04. Review status: criteria provided, single submitter. Criteria: ACMG Guidelines, 2015. Collection method: clinical testing. Allele origin: germline.
Comment: The ABCA4 c.4919G>A variant is predicted to result in the amino acid substitution p.Arg1640Gln. This variant has been reported many times in individuals with retinal disease (see for examples: Table S2, Carss et al. 2017. PubMed ID: 28041643; Table S2, Del Pozo-Valero et al. 2022. PubMed ID: 35119454; Table S1, Lin et al. 2024. PubMed ID: 38219857). An alternate substitution of this same amino acid residue (p.Arg1640Trp) has also been reported many times in individuals with retinal disease (see for example: Table S1, Lin et al. 2024. PubMed ID: 38219857). This variant is present in 0.0087% of alleles in individuals of Latino descent in gnomAD; a study of the frequency of this variant in affected individuals versus the general population has classified this variant as severe (Table S2A, Cornelis et al. 2022. PubMed ID: 35120629). This variant is interpreted as pathogenic.

Mendelics
Classification: Pathogenic for Retinitis pigmentosa 19. Last evaluated: 2026-03-05. Review status: criteria provided, single submitter. Criteria: ACMG Guidelines, 2015. Collection method: clinical testing. Allele origin: unknown.
Comment: Likely pathogenic/Pathogenic according to ACMG criteria.

Labcorp Genetics (formerly Invitae), Labcorp
Classification: Pathogenic. Last evaluated: 2026-01-28. Review status: criteria provided, single submitter. Criteria: Invitae Variant Classification Sherloc (09022015). Collection method: clinical testing. Allele origin: germline.
Comment: This sequence change replaces arginine, which is basic and polar, with glutamine, which is neutral and polar, at codon 1640 of the ABCA4 protein (p.Arg1640Gln). This variant is present in population databases (rs61751403, gnomAD 0.009%). This missense change has been observed in individuals with autosomal recessive ABCA4-related conditions (PMID: 10711710, 11527935, 23755871, 26103963). It has also been observed to segregate with disease in related individuals. ClinVar contains an entry for this variant (Variation ID: 99331). Invitae Evidence Modeling of protein sequence and biophysical properties (such as structural, functional, and spatial information, amino acid conservation, physicochemical variation, residue mobility, and thermodynamic stability) indicates that this missense variant is expected to disrupt ABCA4 protein function with a positive predictive value of 95%. Algorithms developed to predict the effect of sequence changes on RNA splicing suggest that this variant may create or strengthen a splice site. For these reasons, this variant has been classified as Pathogenic.

SingHealth Duke-NUS Institute of Precision Medicine
Classification: Likely pathogenic for Severe early-childhood-onset retinal dystrophy. Last evaluated: 2025-02-05. Review status: criteria provided, single submitter. Criteria: PRISM ACMG Classification Criteria. Collection method: clinical testing. Allele origin: germline. Affected: yes.
Comment: Variant is located in a mutational hotspot where >50% of variants are pathogenic (PM1). Homozygous allele count in gnomAD exomes and genomes is less than 0 (PM2). Other variant at this amino acid residue has been classified as pathogenic (PM5, p.Arg1640Trp). REVEL score is 0.771 (PP3). Study has shown the variant affects protein function (PS3_mod, PMID:28118664)

Blueprint Genetics
Classification: Pathogenic for ABCA4-related disorders. Last evaluated: 2024-10-30. Review status: criteria provided, single submitter. Criteria: ACMG Guidelines, 2015. Collection method: clinical testing. Allele origin: germline. Affected: yes. Observed: 5 variant alleles.

Institute of Human Genetics, University of Leipzig Medical Center
Classification: Pathogenic for Severe early-childhood-onset retinal dystrophy. Last evaluated: 2024-08-20. Review status: criteria provided, single submitter. Criteria: ACMG Guidelines, 2015. Collection method: clinical testing. Allele origin: unknown. Inheritance: Autosomal recessive inheritance. Affected: yes.
Comment: Criteria applied: PM3_VSTR,PM5,PM2_SUP,PP3; Identified as compund heterozygous with NM_000350.3:c.2012_2013del

Fulgent Genetics
Classification: Pathogenic for Age related macular degeneration 2; Severe early-childhood-onset retinal dystrophy; Retinitis pigmentosa 19; Cone-rod dystrophy 3. Last evaluated: 2024-02-16. Review status: criteria provided, single submitter. Criteria: ACMG Guidelines, 2015. Collection method: clinical testing. Allele origin: germline.

3billion
Classification: Pathogenic for Cone-rod dystrophy 3. Last evaluated: 2023-07-28. Review status: criteria provided, single submitter. Criteria: ACMG Guidelines, 2015. Collection method: clinical testing. Allele origin: germline. Affected: yes.
Comment: The variant is observed at an extremely low frequency in the gnomAD v2.1.1 dataset (total allele frequency: 0.003%). Predicted Consequence/Location: Missense variant In silico tool predictions suggest damaging effect of the variant on gene or gene product (REVEL: 0.77; 3Cnet: 0.85). Same nucleotide change resulting in same amino acid change has been previously reported as pathogenic/likely pathogenic with strong evidence (ClinVar ID: VCV000099331 /PMID: 10711710 /3billion dataset). The variant has been reported to be in trans with a pathogenic variant as either compound heterozygous or homozygous in at least one similarly affected unrelated individual (3billion dataset). A different missense change at the same codon (p.Arg1640Trp) has been reported as pathogenic/likely pathogenic with strong evidence (ClinVar ID: VCV000099330 /PMID: 9781034 /3billion dataset). Therefore, this variant is classified as Pathogenic according to the recommendation of ACMG/AMP guideline.

Institute of Medical Genetics and Applied Genomics, University Hospital Tübingen
Classification: Pathogenic for Cone-rod dystrophy 3. Last evaluated: 2023-04-21. Review status: criteria provided, single submitter. Criteria: ACMG Guidelines, 2015. Collection method: clinical testing. Allele origin: germline. Inheritance: Autosomal recessive inheritance. Affected: yes.

Institute of Human Genetics, Univ. Regensburg, Univ. Regensburg
Classification: Pathogenic for Retinal dystrophy. Last evaluated: 2023-01-01. Review status: criteria provided, single submitter. Criteria: ACMG Guidelines, 2015. Collection method: clinical testing. Allele origin: germline. Affected: yes.

GeneDx
Classification: Pathogenic. Last evaluated: 2021-12-22. Review status: criteria provided, single submitter. Criteria: GeneDx Variant Classification Process June 2021. Collection method: clinical testing. Allele origin: germline. Affected: yes.
Comment: In silico analysis supports that this missense variant has a deleterious effect on protein structure/function; Published functional studies demonstrate that the c.4919 G>A variant may have a negative effect on proper splicing (Schulz et al., 2017); This variant is associated with the following publications: (PMID: 26743751, 11527935, 11379881, 10711710, 23755871, 26377081, 26103963, 25082885, 19074458, 28118664, 28041643, 29925512, 31736247, 31456290, 30718709, 32581362, 31589614, 32037395)

Institute of Medical Molecular Genetics, University of Zurich
Classification: Likely pathogenic for Severe early-childhood-onset retinal dystrophy. Last evaluated: 2021-01-30. Review status: criteria provided, single submitter. Criteria: ACMG Guidelines, 2015. Collection method: clinical testing. Allele origin: unknown. Affected: yes.

CeGaT Center for Human Genetics Tuebingen
Classification: Pathogenic. Last evaluated: 2020-02-01. Review status: criteria provided, single submitter. Criteria: CeGaT Center For Human Genetics Tuebingen Variant Classification Criteria Version 2. Collection method: clinical testing. Allele origin: germline. Affected: yes. Observed: 1 variant allele.

Institute of Human Genetics, Univ. Regensburg, Univ. Regensburg
Classification: Pathogenic for Severe early-childhood-onset retinal dystrophy. Last evaluated: 2016-01-01. Review status: criteria provided, single submitter. Criteria: Schulz et al. (Invest Ophthalmol Vis Sci. 2017). Collection method: clinical testing, in vitro. Allele origin: germline, unknown. Affected: yes. Observed: 3 heterozygotes. Functional consequence: sequence_variant_affecting_splicing.

Eurofins Ntd Llc (ga)
Classification: Pathogenic. Last evaluated: 2015-10-27. Review status: criteria provided, single submitter. Criteria: EGL Classification Definitions 2015. Collection method: clinical testing. Allele origin: germline. Observed: 1 variant allele, 1 heterozygote.